The following is an entry in ClinVar:

NM_000489.6(ATRX):c.4810-19A>G

Gene: ATRX (ATRX chromatin remodeler; minus strand). Cytogenetic location: Xq21.1.
Variant type: single nucleotide variant.
Coding change: c.4810-19A>G on transcript NM_000489.6 (MANE Select); 19 bases into the intron before coding-DNA position 4810, A replaced by G.
Molecular consequence: intron variant.
Genome position (GRCh38, 1-based): chrX:77,633,731, T>C on the plus strand (A>G on the coding strand, the complement: ATRX is on the minus strand). VCF-style: chrX-77633731-T-C. GRCh37 (hg19) VCF-style: chrX-76889219-T-C.
Other names: c.4696-19A>G (NM_138270.5).
Identifiers: ClinVar variation 518125 (VCV000518125.6), dbSNP rs1557106791, ClinGen allele CA658111456.

ClinVar aggregate classification (germline): Likely benign. Review status: criteria provided, multiple submitters, no conflicts (2 of 4 stars). 2 submissions from 2 submitters: Likely benign (2). Last evaluated 2025-11-17.

Conditions:
Alpha thalassemia-X-linked intellectual disability syndrome (ATRX). Also called: ALPHA-THALASSEMIA/MENTAL RETARDATION SYNDROME, X-LINKED; ATR, NONDELETION TYPE; ALPHA-THALASSEMIA/IMPAIRED INTELLECTUAL DEVELOPMENT SYNDROME, X-LINKED; X-linked alpha-thalassemia-mental retardation syndrome; ATR-X syndrome; Alpha thalassemia mental retardation syndrome, nondeletion type, X-linked. Identifiers: Orphanet 847, MedGen C1845055, MONDO:0010519, OMIM 301040.

gnomAD v4.1: 2 of 1,195,193 alleles (0.00017%); no homozygotes.

Submissions (2):

Labcorp Genetics (formerly Invitae), Labcorp
Classification: Likely benign for Alpha thalassemia-X-linked intellectual disability syndrome. Last evaluated: 2025-11-17. Review status: criteria provided, single submitter. Criteria: Invitae Variant Classification Sherloc (09022015). Collection method: clinical testing. Allele origin: germline.

GeneDx
Classification: Likely benign. Last evaluated: 2017-06-28. Review status: criteria provided, single submitter. Criteria: GeneDx Variant Classification (06012015). Collection method: clinical testing. Allele origin: germline. Affected: yes.
Comment: This variant is considered likely benign or benign based on one or more of the following criteria: it is a conservative change, it occurs at a poorly conserved position in the protein, it is predicted to be benign by multiple in silico algorithms, and/or has population frequency not consistent with disease.